The following is an entry in ClinVar:

NM_002838.5(PTPRC):c.2697+4T>C

Gene: PTPRC (protein tyrosine phosphatase receptor type C; plus strand). Cytogenetic location: 1q32.1.
Variant type: single nucleotide variant.
Coding change: c.2697+4T>C on transcript NM_002838.5 (MANE Select); 4 bases into the intron after coding-DNA position 2697, T replaced by C.
Molecular consequence: intron variant.
Genome position (GRCh38, 1-based): chr1:198,742,371, T>C. VCF-style: chr1-198742371-T-C. GRCh37 (hg19) VCF-style: chr1-198711500-T-C.
Other names: c.2214+4T>C (NM_080921.4).
Identifiers: ClinVar variation 951268 (VCV000951268.10), dbSNP rs1430240323, ClinGen allele CA528535649.

ClinVar aggregate classification (germline): Uncertain significance (1 of 4 stars; one submission).

Conditions:
Immunodeficiency 104. Also called: SCID, AUTOSOMAL RECESSIVE, T CELL-NEGATIVE, B CELL-POSITIVE, NK CELL-POSITIVE; Severe Combined Immune Deficiency, Autosomal Recessive, TCell -Negative, B Cell-Positive, NK Cell-Positive, IL7R-Related; IMMUNODEFICIENCY 104, SEVERE COMBINED; Severe combined immunodeficiency, autosomal recessive, T cell-negative, B cell-positive, NK cell-positive. Identifiers: MedGen C5676890, MONDO:0012163, OMIM 608971.

Allele frequency attached by ClinVar (database versions not stated): gnomAD exomes below 0.00001.
gnomAD v4.1: 6 of 1,611,780 alleles (0.00037%); highest among the groups gnomAD compares: Admixed American, 0.0033%; no homozygotes.

Submission:

Labcorp Genetics (formerly Invitae), Labcorp
Classification: Uncertain significance for Immunodeficiency 104. Last evaluated: 2025-01-14. Review status: criteria provided, single submitter. Criteria: Invitae Variant Classification Sherloc (09022015). Collection method: clinical testing. Allele origin: germline.
Comment: This sequence change falls in intron 25 of the PTPRC gene. It does not directly change the encoded amino acid sequence of the PTPRC protein. It affects a nucleotide within the consensus splice site. This variant is present in population databases (no rsID available, gnomAD 0.0009%). This variant has not been reported in the literature in individuals affected with PTPRC-related conditions. ClinVar contains an entry for this variant (Variation ID: 951268). Variants that disrupt the consensus splice site are a relatively common cause of aberrant splicing (PMID: 17576681, 9536098). Algorithms developed to predict the effect of sequence changes on RNA splicing suggest that this variant is not likely to affect RNA splicing. In summary, the available evidence is currently insufficient to determine the role of this variant in disease. Therefore, it has been classified as a Variant of Uncertain Significance.

Literature cited by the submitters: PubMed 17576681; PubMed 9536098.